The following is an entry in ClinVar:

NM_006767.4(LZTR1):c.2406+1G>T

Gene: LZTR1 (leucine zipper like post translational regulator 1; plus strand). Cytogenetic location: 22q11.21.
Variant type: single nucleotide variant.
Coding change: c.2406+1G>T on transcript NM_006767.4 (MANE Select); the canonical splice donor site of the intron after coding-DNA position 2406, G replaced by T.
Molecular consequence: splice donor variant.
Genome position (GRCh38, 1-based): chr22:20,996,967, G>T. VCF-style: chr22-20996967-G-T. GRCh37 (hg19) VCF-style: chr22-21351256-G-T.
Identifiers: ClinVar variation 1324693 (VCV001324693.5), dbSNP rs770322736, ClinGen allele CA410781300.
Genomic context (GRCh38, chr22:20,996,967, plus strand): 5'-ACGCAGGCACTGGACATGAAGCGGCACTGCCTGCACATCATTGTGCACCAGTTCACCAAG[G>T]TCAGGGCTCTGGCCTCCCCTTCAGGACTCGCTTCCCCTTGGCAGTGGCCATGCCCAGGCA-3'

ClinVar aggregate classification (germline): Likely pathogenic. Review status: criteria provided, multiple submitters, no conflicts (2 of 4 stars). 2 submissions from 2 submitters: Likely pathogenic (2). Last evaluated 2026-08-24.

Conditions:
Hereditary cancer-predisposing syndrome. Also called: Hereditary Cancer Syndrome; Neoplastic Syndromes, Hereditary; Hereditary neoplastic syndrome; Tumor predisposition. Identifiers: Orphanet 140162, MedGen C0027672, MeSH D009386, MONDO:0015356.
Cardiovascular phenotype. Identifiers: MedGen CN230736.

gnomAD v4.1: 3 of 1,613,650 alleles (0.00019%); highest among the groups gnomAD compares: Non-Finnish European, 0.00025%; no homozygotes.

Submissions (2):

Ambry Genetics
Classification: Likely pathogenic for Cardiovascular phenotype; Hereditary cancer-predisposing syndrome. Last evaluated: 2026-08-24. Review status: criteria provided, single submitter. Criteria: Ambry Variant Classification Scheme 2023. Collection method: clinical testing. Allele origin: germline.
Comment: The c.2406+1G>T intronic variant results from a G to T substitution one nucleotide after coding exon 20 of the LZTR1 gene. This nucleotide position is highly conserved in available vertebrate species. In silico splice site analysis predicts that this alteration will weaken the native splice donor site. RNA studies have demonstrated that this variant results in abnormal splicing in the set of samples tested (Ambry internal data). This variant is considered to be rare based on population cohorts in the Genome Aggregation Database (gnomAD). Based on the supporting evidence, this variant is likely pathogenic for an increased risk of LZTR1-related schwannomatosis (SWN) and would be expected to cause autosomal recessive Noonan syndrome when present along with a second pathogenic or likely pathogenic variant on the other allele.

Revvity Omics, Revvity
Classification: Likely pathogenic. Last evaluated: 2020-08-25. Review status: criteria provided, single submitter. Criteria: ACMG Guidelines, 2015. Collection method: clinical testing. Allele origin: germline.